The following is an entry in ClinVar:

NM_001252024.2(TRPM1):c.1376G>T (p.Gly459Val)

Gene: TRPM1 (transient receptor potential cation channel subfamily M member 1; minus strand). Cytogenetic location: 15q13.3.
Variant type: single nucleotide variant.
Coding change: c.1376G>T on transcript NM_001252024.2 (MANE Select); coding-DNA position 1376, G replaced by T.
Protein change: p.Gly459Val; replaces glycine 459 with valine.
Molecular consequence: missense variant.
Genome position (GRCh38, 1-based): chr15:31,050,470, C>A on the plus strand (G>T on the coding strand, the complement: TRPM1 is on the minus strand). VCF-style: chr15-31050470-C-A. GRCh37 (hg19) VCF-style: chr15-31342673-C-A.
Other names: c.1427G>T (NM_001252020.1); c.1427G>T, p.Gly476Val (NM_001252020.2); c.1310G>T, p.Gly437Val (NM_002420.6); short protein forms G437V, G459V, G476V.
Identifiers: ClinVar variation 1164386 (VCV001164386.11), dbSNP rs535011688, ClinGen allele CA7452588.

ClinVar aggregate classification (germline): Benign/Likely benign. Review status: criteria provided, multiple submitters, no conflicts (2 of 4 stars). 3 submissions from 3 submitters: Benign (1); Likely benign (1). 1 of the submissions does not count toward it. Last evaluated 2025-11-01.

Conditions:
TRPM1-related disorder. Also called: TRPM1-related condition.

Allele frequency attached by ClinVar (database versions not stated): gnomAD 0.00003 and 0.00031; TOPMed 0.00006; 1000 Genomes Project 30x 0.00250; 1000 Genomes Project 0.00300.
gnomAD v4.1: 645 of 1,614,110 alleles (0.04%); highest among the groups gnomAD compares: South Asian, 0.65%; 8 homozygotes.

Submissions (3):

Labcorp Genetics (formerly Invitae), Labcorp
Classification: Benign. Last evaluated: 2025-11-01. Review status: criteria provided, single submitter. Criteria: Invitae Variant Classification Sherloc (09022015). Collection method: clinical testing. Allele origin: germline.

Blueprint Genetics
Classification: Likely benign. Last evaluated: 2024-11-18. Review status: criteria provided, single submitter. Criteria: ACMG Guidelines, 2015. Collection method: clinical testing. Allele origin: germline.

PreventionGenetics, part of Exact Sciences
Classification: Benign for TRPM1-related condition. Last evaluated: 2024-08-21. Review status: no assertion criteria provided. Collection method: clinical testing. Allele origin: germline. Not counted in ClinVar's aggregate classification.
Comment: This variant is classified as benign based on ACMG/AMP sequence variant interpretation guidelines (Richards et al. 2015 PMID: 25741868, with internal and published modifications).